The following is an entry in ClinVar:

ClinVar aggregate classification (germline): Uncertain significance. Review status: criteria provided, multiple submitters, no conflicts (2 of 4 stars). 8 submissions from 8 submitters: Uncertain significance (7). 1 of the submissions does not count toward it. Last evaluated 2025-12-20.

Conditions:
Hereditary cancer-predisposing syndrome. Also called: Hereditary Cancer Syndrome; Tumor predisposition; Neoplastic Syndromes, Hereditary; Hereditary neoplastic syndrome. Identifiers: Orphanet 140162, MedGen C0027672, MeSH D009386, MONDO:0015356.
Familial cancer of breast. Also called: hereditary breast carcinoma; BREAST CANCER, FAMILIAL; Hereditary breast cancer. Identifiers: Orphanet 227535, MedGen C0346153, MONDO:0016419, OMIM 114480. Disease mechanism: loss of function.
Ataxia-telangiectasia syndrome (AT). Also called: ATAXIA-TELANGIECTASIA, COMPLEMENTATION GROUP A; ATAXIA-TELANGIECTASIA, FRESNO VARIANT; Ataxia-telangiectasia; Ataxia-telangiectasia, complementation group E; Cerebello-oculocutaneous telangiectasia; Immunodeficiency with ataxia telangiectasia. Identifiers: Orphanet 100, MedGen C0004135, MONDO:0008840, OMIM 208900.

Allele frequency attached by ClinVar (database versions not stated): gnomAD exomes 0.00003; gnomAD 0.00001; TOPMed 0.00001.
gnomAD v4.1: 35 of 1,608,446 alleles (0.0022%); highest among the groups gnomAD compares: Non-Finnish European, 0.003%; no homozygotes.

Submissions (8):

Labcorp Genetics (formerly Invitae), Labcorp
Classification: Uncertain significance for Ataxia-telangiectasia syndrome. Last evaluated: 2025-12-20. Review status: criteria provided, single submitter. Criteria: Invitae Variant Classification Sherloc (09022015). Collection method: clinical testing. Allele origin: germline.
Comment: This sequence change replaces isoleucine, which is neutral and non-polar, with valine, which is neutral and non-polar, at codon 2865 of the ATM protein (p.Ile2865Val). This variant is not present in population databases (gnomAD no frequency). This missense change has been observed in individual(s) with pancreatic ductal adenocarcinoma (PMID: 35171259). ClinVar contains an entry for this variant (Variation ID: 185499). Invitae Evidence Modeling of protein sequence and biophysical properties (such as structural, functional, and spatial information, amino acid conservation, physicochemical variation, residue mobility, and thermodynamic stability) indicates that this missense variant is not expected to disrupt ATM protein function with a negative predictive value of 95%. In summary, the available evidence is currently insufficient to determine the role of this variant in disease. Therefore, it has been classified as a Variant of Uncertain Significance.

GeneDx
Classification: Uncertain significance. Last evaluated: 2025-01-31. Review status: criteria provided, single submitter. Criteria: GeneDx Variant Classification Process June 2021. Collection method: clinical testing. Allele origin: germline. Affected: yes.
Comment: Not observed at significant frequency in large population cohorts (gnomAD); In silico analysis indicates that this missense variant does not alter protein structure/function; This variant is associated with the following publications: (PMID: 15279808, 23532176, 35171259, 33471991)

Ambry Genetics
Classification: Uncertain significance for Hereditary cancer-predisposing syndrome. Last evaluated: 2024-10-29. Review status: criteria provided, single submitter. Criteria: Ambry Variant Classification Scheme 2023. Collection method: clinical testing. Allele origin: germline.
Comment: The p.I2865V variant (also known as c.8593A>G), located in coding exon 58 of the ATM gene, results from an A to G substitution at nucleotide position 8593. The isoleucine at codon 2865 is replaced by valine, an amino acid with highly similar properties. This variant was identified in 1 of 1009 patients amongst a cohort of Chinese patients with a personal history of pancreatic ductal adenocarcinoma (Yin L et al. JAMA Netw Open, 2022 Feb;5:e2148721). This amino acid position is highly conserved in available vertebrate species. In addition, the in silico prediction for this alteration is inconclusive. Based on the available evidence, the clinical significance of this variant remains unclear.

Color Diagnostics, LLC DBA Color Health
Classification: Uncertain significance for Hereditary cancer-predisposing syndrome. Last evaluated: 2024-07-09. Review status: criteria provided, single submitter. Criteria: ACMG Guidelines, 2015. Collection method: clinical testing. Allele origin: germline.
Comment: This missense variant replaces isoleucine with valine at codon 2865 of the ATM protein. Computational prediction suggests that this variant may not impact protein structure and function (internally defined REVEL score threshold <= 0.5, PMID: 27666373). To our knowledge, functional studies have not been reported for this variant. This variant has been reported in an individual affected with pancreatic cancer (PMID: 35171259), as well as in 2/60466 cases and 1/53461 unaffected controls in a large breast cancer case-control study (PMID: 35171259). This variant has not been identified in the general population by the Genome Aggregation Database (gnomAD). The available evidence is insufficient to determine the role of this variant in disease conclusively. Therefore, this variant is classified as a Variant of Uncertain Significance.

Baylor Genetics
Classification: Uncertain significance for Familial cancer of breast. Last evaluated: 2023-10-02. Review status: criteria provided, single submitter. Criteria: ACMG Guidelines, 2015. Collection method: clinical testing. Allele origin: unknown.

Sema4
Classification: Uncertain significance for Hereditary cancer-predisposing syndrome. Last evaluated: 2021-11-16. Review status: criteria provided, single submitter. Criteria: Sema4 Curation Guidelines. Collection method: curation. Allele origin: germline.
Comment: The ATM c.8593A>G (p.I2865V) variant has been reported in a large case-control study of breast cancer in 2/60466 cases and 1/53461 controls (PMID: 33471991). It was not observed in the large and broad cohorts of the Genome Aggregation Database (PMID: 32461654). This variant has been reported in ClinVar (Variation ID: 185499). Functional studies have not been performed, and in silico predictions of the variant's effect on protein function are inconclusive. The evidence is insufficient to meet ACMG/AMP criteria for classifying the variant as benign or pathogenic. Thus, the clinical significance of this variant is currently uncertain.

Women's Health and Genetics/Laboratory Corporation of America, LabCorp
Classification: Uncertain significance. Last evaluated: 2016-08-08. Review status: criteria provided, single submitter. Criteria: LabCorp Variant Classification Summary - May 2015. Collection method: clinical testing. Allele origin: germline.
Comment: Variant summary: The ATM c.8593A>G (p.Ile2865Val) variant involves the alteration of a conserved nucleotide. 2/4 in silico tools predict a benign outcome for this variant (SNPs&GO not captured due to low reliability index). This variant is absent in 119776 control chromosomes. In addition, one clinical diagnostic laboratory classified this variant as uncertain significance. The variant of interest has not, to our knowledge, been reported in affected individuals via publications and/or reputable databases/clinical diagnostic laboratories; nor evaluated for functional impact by in vivo/vitro studies. Because of the absence of clinical information and the lack of functional studies, the variant is classified as a variant of uncertain significance (VUS) until additional information becomes available.

Natera, Inc.
Classification: Uncertain significance for Ataxia-telangiectasia. Last evaluated: 2020-02-12. Review status: no assertion criteria provided. Collection method: clinical testing. Allele origin: germline. Not counted in ClinVar's aggregate classification.

Literature cited by the submitters: PubMed 35171259 (cited by 3 submitters); PubMed 33471991 (cited by Sema4).

NM_000051.4(ATM):c.8593A>G (p.Ile2865Val)

Genes: ATM (ATM serine/threonine kinase; plus strand), C11orf65 (chromosome 11 open reading frame 65; minus strand). Cytogenetic location: 11q22.3.
Variant type: single nucleotide variant.
Coding change: c.8593A>G on transcript NM_000051.4 (MANE Select); coding-DNA position 8593, A replaced by G.
Protein change: p.Ile2865Val; replaces isoleucine 2865 with valine.
Molecular consequence: missense variant. On other transcripts: intron variant (2).
Genome position (GRCh38, 1-based): chr11:108,347,287, A>G. VCF-style: chr11-108347287-A-G. GRCh37 (hg19) VCF-style: chr11-108218014-A-G.
Other names: c.8593A>G, p.Ile2865Val (NM_001351834.2); c.641-38216T>C (NM_001330368.2); c.695-11995T>C (NM_001351110.2); short protein forms I2865V.
Identifiers: ClinVar variation 185499 (VCV000185499.31), dbSNP rs786202223, ClinGen allele CA192135.